The following is an entry in ClinVar:

ClinVar aggregate classification (germline): Uncertain significance (1 of 4 stars; one submission).

Submission:

Women's Health and Genetics/Laboratory Corporation of America, LabCorp
Classification: Uncertain significance. Last evaluated: 2024-12-02. Review status: criteria provided, single submitter. Criteria: LabCorp Variant Classification Summary - May 2015. Collection method: clinical testing. Allele origin: germline.
Comment: Variant summary: MEGF8 c.5146C>T (p.Arg1716Cys) results in a non-conservative amino acid change in the encoded protein sequence. Four of five in-silico tools predict a damaging effect of the variant on protein function. The variant allele was found at a frequency of 6.7e-05 in 1525498 control chromosomes. This frequency is not significantly higher than estimated for a pathogenic variant in MEGF8 causing Carpenter Syndrome - Type 2 (6.7e-05 vs 0.0011), allowing no conclusion about variant significance. To our knowledge, no occurrence of c.5146C>T in individuals affected with Carpenter Syndrome - Type 2 and no experimental evidence demonstrating its impact on protein function have been reported. No submitters have cited clinical-significance assessments for this variant to ClinVar. Based on the evidence outlined above, the variant was classified as uncertain significance.

NM_001271938.2(MEGF8):c.5347C>T (p.Arg1783Cys)

Gene: MEGF8 (multiple EGF like domains 8; plus strand). Cytogenetic location: 19q13.2.
Variant type: single nucleotide variant.
Coding change: c.5347C>T on transcript NM_001271938.2 (MANE Select); coding-DNA position 5347, C replaced by T.
Protein change: p.Arg1783Cys; replaces arginine 1783 with cysteine.
Molecular consequence: missense variant.
Genome position (GRCh38, 1-based): chr19:42,359,101, C>T. VCF-style: chr19-42359101-C-T. GRCh37 (hg19) VCF-style: chr19-42863253-C-T.
Other names: c.5146C>T, p.Arg1716Cys (NM_001410.3); short protein forms R1716C, R1783C.
Identifiers: ClinVar variation 3768389 (VCV003768389.1).
Genomic context (GRCh38, chr19:42,359,101, plus strand): 5'-AGCAGAGGACAGCTCTGACAGGCTGTCCTGTCCCCCCACCCCCCGTCTCCCCAACAGCCC[C>T]GCCCCCGGCTTTTCCACGCCTCAGCCCTGTTAGGGGACACCATGGTGGTTCTTGGGGGGC-3'
Protein context (NP_001258867.1, residues 1773-1793): EEISPHLKEP[Arg1783Cys]PRLFHASALL